The following is an entry in ClinVar:

ClinVar aggregate classification (germline): Uncertain significance. Review status: criteria provided, multiple submitters, no conflicts (2 of 4 stars). 2 submissions from 2 submitters: Uncertain significance (2). Last evaluated 2023-06-09.

Conditions:
Cutis laxa, X-linked (OHS). Also called: Occipital horn syndrome; EDS IX. Identifiers: Orphanet 198, MedGen C0268353, MONDO:0010572, OMIM 304150.
Menkes kinky-hair syndrome (MNK). Also called: Copper transport disease; Menkes Disease; Classic Menkes Disease. Identifiers: Orphanet 565, MedGen C0022716, MONDO:0010651, OMIM 309400.
X-linked distal spinal muscular atrophy type 3. Also called: ATP7A-Related Distal Motor Neuropathy; NEURONOPATHY, DISTAL HEREDITARY MOTOR, X-LINKED; NEUROPATHY, DISTAL HEREDITARY MOTOR, X-LINKED; SPINAL MUSCULAR ATROPHY, DISTAL, X-LINKED RECESSIVE. Identifiers: Orphanet 139557, MedGen C1845359, MONDO:0010338, OMIM 300489.

Allele frequency attached by ClinVar (database versions not stated): gnomAD exomes below 0.00001.
gnomAD v4.1: 3 of 1,211,513 alleles (0.00025%); highest among the groups gnomAD compares: Non-Finnish European, 0.00034%; no homozygotes.

Submissions (2):

Labcorp Genetics (formerly Invitae), Labcorp
Classification: Uncertain significance for X-linked distal spinal muscular atrophy type 3; Cutis laxa, X-linked; Menkes kinky-hair syndrome. Last evaluated: 2023-06-09. Review status: criteria provided, single submitter. Criteria: Invitae Variant Classification Sherloc (09022015). Collection method: clinical testing. Allele origin: germline.
Comment: This variant has not been reported in the literature in individuals affected with ATP7A-related conditions. In summary, the available evidence is currently insufficient to determine the role of this variant in disease. Therefore, it has been classified as a Variant of Uncertain Significance. Advanced modeling of protein sequence and biophysical properties (such as structural, functional, and spatial information, amino acid conservation, physicochemical variation, residue mobility, and thermodynamic stability) performed at Invitae indicates that this missense variant is expected to disrupt ATP7A protein function. This variant is not present in population databases (gnomAD no frequency). This sequence change replaces aspartic acid, which is acidic and polar, with glycine, which is neutral and non-polar, at codon 1230 of the ATP7A protein (p.Asp1230Gly).

Blueprint Genetics
Classification: Uncertain significance. Last evaluated: 2023-03-22. Review status: criteria provided, single submitter. Criteria: ACMG Guidelines, 2015. Collection method: clinical testing. Allele origin: germline.

NM_000052.7(ATP7A):c.3689A>G (p.Asp1230Gly)

Gene: ATP7A (ATPase copper transporting alpha; plus strand). Cytogenetic location: Xq21.1.
Variant type: single nucleotide variant.
Coding change: c.3689A>G on transcript NM_000052.7 (MANE Select); coding-DNA position 3689, A replaced by G.
Protein change: p.Asp1230Gly; replaces aspartic acid 1230 with glycine.
Molecular consequence: missense variant. On other transcripts: non-coding transcript variant (1).
Genome position (GRCh38, 1-based): chrX:78,040,621, A>G. VCF-style: chrX-78040621-A-G. GRCh37 (hg19) VCF-style: chrX-77296119-A-G.
Other names: c.3455A>G, p.Asp1152Gly (NM_001282224.2); short protein forms D1152G, D1230G.
Identifiers: ClinVar variation 2924684 (VCV002924684.4), dbSNP rs2522414458, ClinGen allele CA413604749.